The following is an entry in ClinVar:

ClinVar aggregate classification (germline): Benign/Likely benign. Review status: criteria provided, multiple submitters, no conflicts (2 of 4 stars). 9 submissions from 9 submitters: Benign (1); Likely benign (7). 1 of the submissions does not count toward it. Last evaluated 2026-02-01.

Conditions:
Familial thoracic aortic aneurysm and aortic dissection (TAAD). Also called: Thoracic aortic aneurysms and dissections. Identifiers: Orphanet 91387, MedGen C4707243, MONDO:0019625.
MYLK-related disorder. Also called: MYLK-related condition.
Aortic aneurysm, familial thoracic 7 (AAT7). Also called: AORTIC DISSECTION, FAMILIAL, WITH OR WITHOUT AORTIC ANEURYSM. Identifiers: MedGen C3151077, MONDO:0013418, OMIM 613780.

Allele frequency attached by ClinVar (database versions not stated): gnomAD 0.00009; ExAC 0.00011; TOPMed 0.00012; 1000 Genomes Project 30x 0.00016; 1000 Genomes Project 0.00020.
gnomAD v4.1: 174 of 1,613,288 alleles (0.011%); highest among the groups gnomAD compares: Middle Eastern, 0.033%; no homozygotes.

Submissions (9):

Labcorp Genetics (formerly Invitae), Labcorp
Classification: Likely benign for Aortic aneurysm, familial thoracic 7. Last evaluated: 2026-02-01. Review status: criteria provided, single submitter. Criteria: Invitae Variant Classification Sherloc (09022015). Collection method: clinical testing. Allele origin: germline.

Blueprint Genetics
Classification: Likely benign. Last evaluated: 2023-09-21. Review status: criteria provided, single submitter. Criteria: ACMG Guidelines, 2015. Collection method: clinical testing. Allele origin: germline.

CHEO Genetics Diagnostic Laboratory, Children's Hospital of Eastern Ontario
Classification: Likely benign for Familial thoracic aortic aneurysm and aortic dissection. Last evaluated: 2021-04-06. Review status: criteria provided, single submitter. Criteria: ACMG Guidelines, 2015. Collection method: clinical testing. Allele origin: germline.

GeneDx
Classification: Likely benign. Last evaluated: 2021-03-17. Review status: criteria provided, single submitter. Criteria: GeneDx Variant Classification Process June 2021. Collection method: clinical testing. Allele origin: germline. Affected: yes.

CeGaT Center for Human Genetics Tuebingen
Classification: Likely benign. Last evaluated: 2020-09-01. Review status: criteria provided, single submitter. Criteria: CeGaT Center For Human Genetics Tuebingen Variant Classification Criteria Version 2. Collection method: clinical testing. Allele origin: germline. Affected: yes. Observed: 1 variant allele.

Women's Health and Genetics/Laboratory Corporation of America, LabCorp
Classification: Benign. Last evaluated: 2020-02-22. Review status: criteria provided, single submitter. Criteria: LabCorp Variant Classification Summary - May 2015. Collection method: clinical testing. Allele origin: germline.

ARUP Laboratories, Molecular Genetics and Genomics, ARUP Laboratories
Classification: Likely benign. Last evaluated: 2020-02-07. Review status: criteria provided, single submitter. Criteria: ARUP Molecular Germline Variant Investigation Process. Collection method: clinical testing. Allele origin: germline.

Ambry Genetics
Classification: Likely benign for Familial thoracic aortic aneurysm and aortic dissection. Last evaluated: 2017-04-03. Review status: criteria provided, single submitter. Criteria: Ambry Variant Classification Scheme 2023. Collection method: clinical testing. Allele origin: germline.

PreventionGenetics, part of Exact Sciences
Classification: Likely benign for MYLK-related condition. Last evaluated: 2019-10-28. Review status: no assertion criteria provided. Collection method: clinical testing. Allele origin: germline. Not counted in ClinVar's aggregate classification.
Comment: This variant is classified as likely benign based on ACMG/AMP sequence variant interpretation guidelines (Richards et al. 2015 PMID: 25741868, with internal and published modifications).

NM_053025.4(MYLK):c.2589G>A (p.Glu863=)

Gene: MYLK (myosin light chain kinase; minus strand). Cytogenetic location: 3q21.1.
Variant type: single nucleotide variant.
Coding change: c.2589G>A on transcript NM_053025.4 (MANE Select); coding-DNA position 2589, G replaced by A.
Protein change: p.Glu863=; no amino-acid change (glutamic acid 863 retained).
Molecular consequence: synonymous variant.
Genome position (GRCh38, 1-based): chr3:123,700,879, C>T on the plus strand (G>A on the coding strand, the complement: MYLK is on the minus strand). VCF-style: chr3-123700879-C-T. GRCh37 (hg19) VCF-style: chr3-123419726-C-T.
Other names: c.2061G>A, p.Glu687= (NM_001321309.2); c.2382G>A, p.Glu794= (NM_053026.4, NM_053028.4); c.2589G>A, p.Glu863= (NM_053027.4).
Identifiers: ClinVar variation 342888 (VCV000342888.67), dbSNP rs536506601, ClinGen allele CA068755.